The following is an entry in ClinVar:

ClinVar aggregate classification (germline): Uncertain significance (1 of 4 stars; one submission).

Submission:

GeneDx
Classification: Uncertain significance. Last evaluated: 2019-10-01. Review status: criteria provided, single submitter. Criteria: GeneDx Variant Classification Process June 2021. Collection method: clinical testing. Allele origin: germline. Affected: yes.
Comment: Not observed in large population cohorts (Lek et al., 2016); In silico analysis, which includes protein predictors and evolutionary conservation, supports a deleterious effect; Has not been previously published as pathogenic or benign to our knowledge

NM_182641.4(BPTF):c.6410C>T (p.Pro2137Leu)

Gene: BPTF (bromodomain PHD finger transcription factor; plus strand). Cytogenetic location: 17q24.2.
Variant type: single nucleotide variant.
Coding change: c.6410C>T on transcript NM_182641.4 (MANE Select); coding-DNA position 6410, C replaced by T.
Protein change: p.Pro2137Leu; replaces proline 2137 with leucine.
Molecular consequence: missense variant.
Genome position (GRCh38, 1-based): chr17:67,940,589, C>T. VCF-style: chr17-67940589-C-T. GRCh37 (hg19) VCF-style: chr17-65936705-C-T.
Other names: c.6788C>T, p.Pro2263Leu (NM_004459.7); short protein forms P2137L, P2263L.
Identifiers: ClinVar variation 1308994 (VCV001308994.2), dbSNP rs2147820491, ClinGen allele CA400721353.